The following is an entry in ClinVar:

NM_153614.4(DNAJB13):c.577C>T (p.Arg193Cys)

Gene: DNAJB13 (DnaJ heat shock protein family (Hsp40) member B13; plus strand). Cytogenetic location: 11q13.4.
Variant type: single nucleotide variant.
Coding change: c.577C>T on transcript NM_153614.4 (MANE Select); coding-DNA position 577, C replaced by T.
Protein change: p.Arg193Cys; replaces arginine 193 with cysteine.
Molecular consequence: missense variant.
Genome position (GRCh38, 1-based): chr11:73,966,222, C>T. VCF-style: chr11-73966222-C-T. GRCh37 (hg19) VCF-style: chr11-73677267-C-T.
Other names: c.403C>T, p.Arg135Cys (NM_001377263.1); short protein forms R135C, R193C.
Identifiers: ClinVar variation 1443482 (VCV001443482.3), dbSNP rs576143488, ClinGen allele CA6180801.

ClinVar aggregate classification (germline): Uncertain significance (1 of 4 stars; one submission).

Allele frequency attached by ClinVar (database versions not stated): gnomAD 0.00004 and 0.00011; TOPMed 0.00004; gnomAD exomes 0.00012 and 0.00019; 1000 Genomes Project 30x 0.00016; 1000 Genomes Project 0.00020; ExAC 0.00029.

Submission:

Labcorp Genetics (formerly Invitae), Labcorp
Classification: Uncertain significance. Last evaluated: 2021-09-19. Review status: criteria provided, single submitter. Criteria: Invitae Variant Classification Sherloc (09022015). Collection method: clinical testing. Allele origin: germline.
Comment: This sequence change replaces arginine with cysteine at codon 193 of the DNAJB13 protein (p.Arg193Cys). The arginine residue is moderately conserved and there is a large physicochemical difference between arginine and cysteine. This variant is present in population databases (rs576143488, ExAC 0.2%). This variant has not been reported in the literature in individuals affected with DNAJB13-related conditions. Algorithms developed to predict the effect of missense changes on protein structure and function (SIFT, PolyPhen-2, Align-GVGD) all suggest that this variant is likely to be disruptive. In summary, the available evidence is currently insufficient to determine the role of this variant in disease. Therefore, it has been classified as a Variant of Uncertain Significance.